The following is an entry in ClinVar:

NM_001105206.3(LAMA4):c.220A>G (p.Thr74Ala)

Gene: LAMA4 (laminin subunit alpha 4; minus strand). Cytogenetic location: 6q21.
Variant type: single nucleotide variant.
Coding change: c.220A>G on transcript NM_001105206.3 (MANE Select); coding-DNA position 220, A replaced by G.
Protein change: p.Thr74Ala; replaces threonine 74 with alanine.
Molecular consequence: missense variant.
Genome position (GRCh38, 1-based): chr6:112,216,445, T>C on the plus strand (A>G on the coding strand, the complement: LAMA4 is on the minus strand). VCF-style: chr6-112216445-T-C. GRCh37 (hg19) VCF-style: chr6-112537646-T-C.
Other names: c.220A>G, p.Thr74Ala (NM_001105207.3, NM_002290.5); short protein forms T74A.
Identifiers: ClinVar variation 1349215 (VCV001349215.6), dbSNP rs1554358719, ClinGen allele CA365518194.

ClinVar aggregate classification (germline): Uncertain significance (1 of 4 stars; one submission).

Conditions:
Dilated cardiomyopathy 1JJ (CMD1JJ). Identifiers: Orphanet 154, MedGen C3808935, MONDO:0014095, OMIM 615235.

Allele frequency attached by ClinVar (database versions not stated): gnomAD exomes below 0.00001.

Submission:

Labcorp Genetics (formerly Invitae), Labcorp
Classification: Uncertain significance for Dilated cardiomyopathy 1JJ. Last evaluated: 2024-07-19. Review status: criteria provided, single submitter. Criteria: Invitae Variant Classification Sherloc (09022015). Collection method: clinical testing. Allele origin: germline.
Comment: This sequence change replaces threonine, which is neutral and polar, with alanine, which is neutral and non-polar, at codon 74 of the LAMA4 protein (p.Thr74Ala). This variant is present in population databases (no rsID available, gnomAD no frequency). This variant has not been reported in the literature in individuals affected with LAMA4-related conditions. ClinVar contains an entry for this variant (Variation ID: 1349215). An algorithm developed to predict the effect of missense changes on protein structure and function outputs the following: PolyPhen-2: "Benign". The alanine amino acid residue is found in multiple mammalian species, which suggests that this missense change does not adversely affect protein function. In summary, the available evidence is currently insufficient to determine the role of this variant in disease. Therefore, it has been classified as a Variant of Uncertain Significance.